The following is an entry in ClinVar:

ClinVar aggregate classification (germline): Uncertain significance (1 of 4 stars; one submission).

Conditions:
Hereditary cancer-predisposing syndrome. Also called: Neoplastic Syndromes, Hereditary; Tumor predisposition; Hereditary neoplastic syndrome; Hereditary Cancer Syndrome. Identifiers: Orphanet 140162, MedGen C0027672, MeSH D009386, MONDO:0015356.

Submission:

Ambry Genetics
Classification: Uncertain significance for Hereditary cancer-predisposing syndrome. Last evaluated: 2026-08-27. Review status: criteria provided, single submitter. Criteria: Ambry Variant Classification Scheme 2023. Collection method: clinical testing. Allele origin: germline.
Comment: The p.G232R variant (also known as c.694G>A), located in coding exon 6 of the PMS2 gene, results from a G to A substitution at nucleotide position 694. The glycine at codon 232 is replaced by arginine, an amino acid with dissimilar properties. This amino acid position is conserved. In addition, this alteration is predicted to be deleterious by in silico analysis. Based on the available evidence, the clinical significance of this variant remains unclear.

NM_000535.7(PMS2):c.694G>A (p.Gly232Arg)

Gene: PMS2 (PMS1 homolog 2, mismatch repair system component; minus strand). Cytogenetic location: 7p22.1.
Variant type: single nucleotide variant.
Coding change: c.694G>A on transcript NM_000535.7 (MANE Select); coding-DNA position 694, G replaced by A.
Protein change: p.Gly232Arg; replaces glycine 232 with arginine.
Molecular consequence: missense variant. On other transcripts: 5 prime UTR variant (2), non-coding transcript variant (1), intron variant (9).
Genome position (GRCh38, 1-based): chr7:5,999,119, C>T on the plus strand (G>A on the coding strand, the complement: PMS2 is on the minus strand). VCF-style: chr7-5999119-C-T. GRCh37 (hg19) VCF-style: chr7-6038750-C-T.
Other names: c.289G>A, p.Gly97Arg (NM_001322003.2, NM_001322004.2, NM_001322005.2 and 19 more transcripts); c.694G>A, p.Gly232Arg (NM_001322006.2, NM_001322014.2, NM_001406870.1 and 4 more transcripts); c.376G>A, p.Gly126Arg (NM_001322007.2, NM_001322008.2, NM_001406876.1 and 4 more transcripts); c.-240G>A (NM_001322011.2, NM_001322012.2); c.385G>A, p.Gly129Arg (NM_001322015.2, NM_001406875.1, NM_001406877.1 and 6 more transcripts); c.880G>A, p.Gly294Arg (NM_001406866.1); c.718G>A, p.Gly240Arg (NM_001406868.1); c.358G>A, p.Gly120Arg (NM_001406885.1); and 6 more; short protein forms G232R, G126R, G240R, G294R, G97R, G120R, G129R.
Identifiers: ClinVar variation 5026937 (VCV005026937.1).